The following is an entry in ClinVar:

ClinVar aggregate classification (germline): Likely benign. Review status: criteria provided, single submitter (1 of 4 stars). 2 submissions from 2 submitters: Likely benign (1). 1 of the submissions does not count toward it. Last evaluated 2024-12-24.

Conditions:
DVL1-related disorder. Also called: DVL1-related condition.

Allele frequency attached by ClinVar (database versions not stated): gnomAD 0.00017 and 0.00019; ESP Exome Variant Server 0.00038; ExAC 0.00007; gnomAD exomes 0.00006; TOPMed 0.00020.

Submissions (2):

Labcorp Genetics (formerly Invitae), Labcorp
Classification: Likely benign. Last evaluated: 2024-12-24. Review status: criteria provided, single submitter. Criteria: Invitae Variant Classification Sherloc (09022015). Collection method: clinical testing. Allele origin: germline.

PreventionGenetics, part of Exact Sciences
Classification: Likely benign for DVL1-related condition. Last evaluated: 2019-05-02. Review status: no assertion criteria provided. Collection method: clinical testing. Allele origin: germline. Not counted in ClinVar's aggregate classification.
Comment: This variant is classified as likely benign based on ACMG/AMP sequence variant interpretation guidelines (Richards et al. 2015 PMID: 25741868, with internal and published modifications).

NM_001330311.2(DVL1):c.759G>A (p.Thr253=)

Gene: DVL1 (dishevelled segment polarity protein 1; minus strand). Cytogenetic location: 1p36.33.
Variant type: single nucleotide variant.
Coding change: c.759G>A on transcript NM_001330311.2 (MANE Select); coding-DNA position 759, G replaced by A.
Protein change: p.Thr253=; no amino-acid change (threonine 253 retained).
Molecular consequence: synonymous variant.
Genome position (GRCh38, 1-based): chr1:1,340,257, C>T on the plus strand (G>A on the coding strand, the complement: DVL1 is on the minus strand). VCF-style: chr1-1340257-C-T. GRCh37 (hg19) VCF-style: chr1-1275637-C-T.
Other names: c.759G>A, p.Thr253= (NM_004421.3).
Identifiers: ClinVar variation 727700 (VCV000727700.10), dbSNP rs1140338, ClinGen allele CA520446.